The following is an entry in ClinVar:

NM_015378.4(VPS13D):c.2279A>C (p.Glu760Ala)

Gene: VPS13D (vacuolar protein sorting 13 homolog D; plus strand). Cytogenetic location: 1p36.22.
Variant type: single nucleotide variant.
Coding change: c.2279A>C on transcript NM_015378.4 (MANE Select); coding-DNA position 2279, A replaced by C.
Protein change: p.Glu760Ala; replaces glutamic acid 760 with alanine.
Molecular consequence: missense variant.
Genome position (GRCh38, 1-based): chr1:12,275,867, A>C. VCF-style: chr1-12275867-A-C. GRCh37 (hg19) VCF-style: chr1-12335924-A-C.
Other names: c.2279A>C, p.Glu760Ala (NM_018156.4); short protein forms E760A.
Identifiers: ClinVar variation 1913364 (VCV001913364.4), dbSNP rs1641595298, ClinGen allele CA338470789.

ClinVar aggregate classification (germline): Uncertain significance. Review status: criteria provided, multiple submitters, no conflicts (2 of 4 stars). 2 submissions from 2 submitters: Uncertain significance (2). Last evaluated 2022-12-02.

Conditions:
Inborn genetic diseases. Identifiers: MedGen C0950123, MeSH D030342.

Allele frequency attached by ClinVar (database versions not stated): gnomAD exomes below 0.00001.
gnomAD v4.1: 4 of 1,612,216 alleles (0.00025%); highest among the groups gnomAD compares: Non-Finnish European, 0.00025%; no homozygotes.

Submissions (2):

Ambry Genetics
Classification: Uncertain significance for Inborn genetic diseases. Last evaluated: 2022-12-02. Review status: criteria provided, single submitter. Criteria: Ambry Variant Classification Scheme 2023. Collection method: clinical testing. Allele origin: germline.

Labcorp Genetics (formerly Invitae), Labcorp
Classification: Uncertain significance. Last evaluated: 2022-05-24. Review status: criteria provided, single submitter. Criteria: Invitae Variant Classification Sherloc (09022015). Collection method: clinical testing. Allele origin: germline.
Comment: In summary, the available evidence is currently insufficient to determine the role of this variant in disease. Therefore, it has been classified as a Variant of Uncertain Significance. Algorithms developed to predict the effect of missense changes on protein structure and function are either unavailable or do not agree on the potential impact of this missense change (SIFT: "Not Available"; PolyPhen-2: "Benign"; Align-GVGD: "Not Available"). This variant has not been reported in the literature in individuals affected with VPS13D-related conditions. This variant is not present in population databases (gnomAD no frequency). This sequence change replaces glutamic acid, which is acidic and polar, with alanine, which is neutral and non-polar, at codon 760 of the VPS13D protein (p.Glu760Ala).